The following is an entry in ClinVar:

NM_006231.4(POLE):c.3929G>A (p.Gly1310Asp)

Gene: POLE (DNA polymerase epsilon, catalytic subunit; minus strand). Cytogenetic location: 12q24.33.
Variant type: single nucleotide variant.
Coding change: c.3929G>A on transcript NM_006231.4 (MANE Select); coding-DNA position 3929, G replaced by A.
Protein change: p.Gly1310Asp; replaces glycine 1310 with aspartic acid.
Molecular consequence: missense variant.
Genome position (GRCh38, 1-based): chr12:132,649,382, C>T on the plus strand (G>A on the coding strand, the complement: POLE is on the minus strand). VCF-style: chr12-132649382-C-T. GRCh37 (hg19) VCF-style: chr12-133225968-C-T.
Other names: c.3929G>A (NM_006231.2); short protein forms G1310D.
Identifiers: ClinVar variation 1903640 (VCV001903640.6), dbSNP rs2138606912, ClinGen allele CA387385070.

ClinVar aggregate classification (germline): Uncertain significance. Review status: criteria provided, multiple submitters, no conflicts (2 of 4 stars). 2 submissions from 2 submitters: Uncertain significance (2). Last evaluated 2024-12-06.

Conditions:
Hereditary cancer-predisposing syndrome. Also called: Tumor predisposition; Neoplastic Syndromes, Hereditary; Hereditary Cancer Syndrome; Hereditary neoplastic syndrome. Identifiers: Orphanet 140162, MedGen C0027672, MeSH D009386, MONDO:0015356.

Allele frequency attached by ClinVar (database versions not stated): gnomAD exomes below 0.00001.
gnomAD v4.1: 1 of 1,613,466 alleles (0.000062%); highest among the groups gnomAD compares: Non-Finnish European, 0.000085%; no homozygotes.

Submissions (2):

Ambry Genetics
Classification: Uncertain significance for Hereditary cancer-predisposing syndrome. Last evaluated: 2024-12-06. Review status: criteria provided, single submitter. Criteria: Ambry Variant Classification Scheme 2023. Collection method: clinical testing. Allele origin: germline.
Comment: The p.G1310D variant (also known as c.3929G>A), located in coding exon 31 of the POLE gene, results from a G to A substitution at nucleotide position 3929. The glycine at codon 1310 is replaced by aspartic acid, an amino acid with similar properties. This amino acid position is conserved. In addition, this alteration is predicted to be tolerated by in silico analysis. Based on the available evidence, the clinical significance of this variant remains unclear.

Labcorp Genetics (formerly Invitae), Labcorp
Classification: Uncertain significance. Last evaluated: 2021-12-17. Review status: criteria provided, single submitter. Criteria: Invitae Variant Classification Sherloc (09022015). Collection method: clinical testing. Allele origin: germline.
Comment: Algorithms developed to predict the effect of missense changes on protein structure and function (SIFT, PolyPhen-2, Align-GVGD) all suggest that this variant is likely to be tolerated. In summary, the available evidence is currently insufficient to determine the role of this variant in disease. Therefore, it has been classified as a Variant of Uncertain Significance. This variant has not been reported in the literature in individuals affected with POLE-related conditions. This variant is not present in population databases (gnomAD no frequency). This sequence change replaces glycine, which is neutral and non-polar, with aspartic acid, which is acidic and polar, at codon 1310 of the POLE protein (p.Gly1310Asp).